The following is an entry in ClinVar:

NM_001160372.4(TRAPPC9):c.3356G>A (p.Arg1119Gln)

Gene: TRAPPC9 (trafficking protein particle complex subunit 9; minus strand). Cytogenetic location: 8q24.3.
Variant type: single nucleotide variant.
Coding change: c.3356G>A on transcript NM_001160372.4 (MANE Select); coding-DNA position 3356, G replaced by A.
Protein change: p.Arg1119Gln; replaces arginine 1119 with glutamine.
Molecular consequence: missense variant. On other transcripts: non-coding transcript variant (1).
Genome position (GRCh38, 1-based): chr8:139,731,152, C>T on the plus strand (G>A on the coding strand, the complement: TRAPPC9 is on the minus strand). VCF-style: chr8-139731152-C-T. GRCh37 (hg19) VCF-style: chr8-140743395-C-T.
Other names: c.3329G>A, p.Arg1110Gln (NM_001321646.2); c.3377G>A, p.Arg1126Gln (NM_001374682.1); c.3245G>A, p.Arg1082Gln (NM_001374683.1); c.3212G>A, p.Arg1071Gln (NM_001374684.1); c.3356G>A, p.Arg1119Gln (NM_031466.8); short protein forms R1119Q, R1217Q, R1110Q, R1071Q, R1082Q, R1126Q.
Identifiers: ClinVar variation 437021 (VCV000437021.16), dbSNP rs145503551, ClinGen allele CA4892718.
Genomic context (GRCh38, chr8:139,731,152, plus strand): 5'-ACACTGGGCAGGCAGAACCAAGAGGGTGGCAGCTCCTTGCTGGTGCTGTCCTCGTGGAAC[C>T]GGATGTGGAGGAAGAAGTCTCCCGTGTAGAGGAAGAGGAGGGCCCCGAGGCAGGCCGACT-3'
Protein context (NP_001153844.1, residues 1109-1129): LYTGDFFLHI[Arg1119Gln]FHEDSTSKEL

ClinVar aggregate classification (germline): Conflicting classifications of pathogenicity. Review status: criteria provided, conflicting classifications (1 of 4 stars). 4 submissions from 4 submitters: Uncertain significance (2); Likely benign (1). 1 of the submissions does not count toward it. Last evaluated 2025-11-29.

Conditions:
Intellectual developmental disorder, autosomal recessive 13. Also called: Intellectual disability, autosomal recessive 13. Identifiers: Orphanet 88616, MedGen C2750791, MONDO:0013173, OMIM 613192.
TRAPPC9-related disorder. Also called: TRAPPC9-related condition.

Allele frequency attached by ClinVar (database versions not stated): 1000 Genomes Project 30x 0.00031; gnomAD 0.00035 and 0.00034; ExAC 0.00047; TOPMed 0.00062; gnomAD exomes 0.00014 and 0.00051; ESP Exome Variant Server 0.00038; 1000 Genomes Project 0.00040.
gnomAD v4.1: 254 of 1,613,984 alleles (0.016%); highest among the groups gnomAD compares: East Asian, 0.38%; 1 homozygote.

Submissions (4):

Labcorp Genetics (formerly Invitae), Labcorp
Classification: Likely benign. Last evaluated: 2025-11-29. Review status: criteria provided, single submitter. Criteria: Invitae Variant Classification Sherloc (09022015). Collection method: clinical testing. Allele origin: germline.

Baylor Genetics
Classification: Uncertain significance for Intellectual developmental disorder, autosomal recessive 13. Last evaluated: 2018-04-19. Review status: criteria provided, single submitter. Criteria: ACMG Guidelines, 2015. Collection method: clinical testing. Allele origin: paternal. Affected: yes.
Comment: This variant was determined to be of uncertain significance according to ACMG Guidelines, 2015 [PMID:25741868].

Genetic Services Laboratory, University of Chicago
Classification: Uncertain significance. Last evaluated: 2016-01-11. Review status: criteria provided, single submitter. Criteria: ACMG Guidelines, 2015. Collection method: clinical testing. Allele origin: germline. Affected: no.

PreventionGenetics, part of Exact Sciences
Classification: Likely benign for TRAPPC9-related condition. Last evaluated: 2019-11-01. Review status: no assertion criteria provided. Collection method: clinical testing. Allele origin: germline. Not counted in ClinVar's aggregate classification.
Comment: This variant is classified as likely benign based on ACMG/AMP sequence variant interpretation guidelines (Richards et al. 2015 PMID: 25741868, with internal and published modifications).